The following is an entry in ClinVar:

NM_006565.4(CTCF):c.1164C>T (p.Ser388=)

Gene: CTCF (CCCTC-binding factor; plus strand). Cytogenetic location: 16q22.1.
Variant type: single nucleotide variant.
Coding change: c.1164C>T on transcript NM_006565.4 (MANE Select); coding-DNA position 1164, C replaced by T.
Protein change: p.Ser388=; no amino-acid change (serine 388 retained).
Molecular consequence: synonymous variant.
Genome position (GRCh38, 1-based): chr16:67,620,774, C>T. VCF-style: chr16-67620774-C-T. GRCh37 (hg19) VCF-style: chr16-67654677-C-T.
Other names: NC_000016.9:g.67654677C>T; c.180C>T, p.Ser60= (NM_001191022.2); c.1164C>T, p.Ser388= (NM_001363916.2).
Identifiers: ClinVar variation 128863 (VCV000128863.14), dbSNP rs143837268, ClinGen allele CA152519.
Genomic context (GRCh38, chr16:67,620,774, plus strand): 5'-TCACATTCGCTCTCATACTGGAGAGCGTCCGTTTCAGTGCAGTTTGTGCAGTTATGCCAG[C>T]AGGGACACATACAAGCTGAAAAGGCACATGAGAACCCATTCAGGTAGGACTTCTCCACTC-3'
Protein context (NP_006556.1, residues 378-398): PFQCSLCSYA[Ser388=]RDTYKLKRHM

ClinVar aggregate classification (germline): Benign. Review status: criteria provided, multiple submitters, no conflicts (2 of 4 stars). 4 submissions from 4 submitters: Benign (3). 1 of the submissions does not count toward it. Last evaluated 2018-08-31.

Conditions:
Inborn genetic diseases. Identifiers: MedGen C0950123, MeSH D030342.

Allele frequency attached by ClinVar (database versions not stated): ESP Exome Variant Server 0.01447; 1000 Genomes Project 0.00739; TOPMed 0.01071; gnomAD 0.01878 and 0.01834; gnomAD exomes 0.01996 and 0.01938; 1000 Genomes Project 30x 0.00687; ExAC 0.02016.
gnomAD v4.1: 30,636 of 1,603,690 alleles (1.9%); highest among the groups gnomAD compares: Non-Finnish European, 1.9%; 521 homozygotes.

Submissions 1 to 33 of 92:

GeneDx
Classification: Benign. Last evaluated: 2018-08-31. Review status: criteria provided, single submitter. Criteria: GeneDx Variant Classification Process June 2021. Collection method: clinical testing. Allele origin: germline. Affected: yes.

Ambry Genetics
Classification: Benign for Inborn genetic diseases. Last evaluated: 2016-04-15. Review status: criteria provided, single submitter. Criteria: Ambry Variant Classification Scheme 2023. Collection method: clinical testing. Allele origin: germline.

Breakthrough Genomics
Classification: Benign. Review status: criteria provided, single submitter. Criteria: ACMG Guidelines, 2015. Collection method: not provided. Allele origin: germline. Inheritance: Autosomal dominant inheritance. Affected: yes.

Dr. Peter K. Rogan Lab, Western University
No classification provided (evidence only). Condition: Lung cancer. Review status: no classification provided. Collection method: in vitro. Allele origin: not applicable. Functional consequence: retained intron. Not counted in ClinVar's aggregate classification.

Dr. Peter K. Rogan Lab, Western University
No classification provided (evidence only). Condition: Lung cancer. Review status: no classification provided. Collection method: in vitro. Allele origin: not applicable. Functional consequence: retained intron. Not counted in ClinVar's aggregate classification.

Dr. Peter K. Rogan Lab, Western University
No classification provided (evidence only). Condition: Lung cancer. Review status: no classification provided. Collection method: in vitro. Allele origin: not applicable. Functional consequence: retained intron. Not counted in ClinVar's aggregate classification.

Dr. Peter K. Rogan Lab, Western University
No classification provided (evidence only). Condition: Lung cancer. Review status: no classification provided. Collection method: in vitro. Allele origin: not applicable. Functional consequence: retained intron. Not counted in ClinVar's aggregate classification.

Dr. Peter K. Rogan Lab, Western University
No classification provided (evidence only). Condition: Lung cancer. Review status: no classification provided. Collection method: in vitro. Allele origin: not applicable. Functional consequence: retained intron. Not counted in ClinVar's aggregate classification.

Dr. Peter K. Rogan Lab, Western University
No classification provided (evidence only). Condition: Lung cancer. Review status: no classification provided. Collection method: in vitro. Allele origin: not applicable. Functional consequence: retained intron. Not counted in ClinVar's aggregate classification.

Dr. Peter K. Rogan Lab, Western University
No classification provided (evidence only). Condition: Lung cancer. Review status: no classification provided. Collection method: in vitro. Allele origin: not applicable. Functional consequence: retained intron. Not counted in ClinVar's aggregate classification.

Dr. Peter K. Rogan Lab, Western University
No classification provided (evidence only). Condition: Melanoma. Review status: no classification provided. Collection method: in vitro. Allele origin: not applicable. Functional consequence: retained intron. Not counted in ClinVar's aggregate classification.

Dr. Peter K. Rogan Lab, Western University
No classification provided (evidence only). Condition: Melanoma. Review status: no classification provided. Collection method: in vitro. Allele origin: not applicable. Functional consequence: retained intron. Not counted in ClinVar's aggregate classification.

Dr. Peter K. Rogan Lab, Western University
No classification provided (evidence only). Condition: Melanoma. Review status: no classification provided. Collection method: in vitro. Allele origin: not applicable. Functional consequence: retained intron. Not counted in ClinVar's aggregate classification.

Dr. Peter K. Rogan Lab, Western University
No classification provided (evidence only). Condition: Melanoma. Review status: no classification provided. Collection method: in vitro. Allele origin: not applicable. Functional consequence: retained intron. Not counted in ClinVar's aggregate classification.

Dr. Peter K. Rogan Lab, Western University
No classification provided (evidence only). Condition: Melanoma. Review status: no classification provided. Collection method: in vitro. Allele origin: not applicable. Functional consequence: retained intron. Not counted in ClinVar's aggregate classification.

Dr. Peter K. Rogan Lab, Western University
No classification provided (evidence only). Condition: Melanoma. Review status: no classification provided. Collection method: in vitro. Allele origin: not applicable. Functional consequence: retained intron. Not counted in ClinVar's aggregate classification.

Dr. Peter K. Rogan Lab, Western University
No classification provided (evidence only). Condition: Melanoma. Review status: no classification provided. Collection method: in vitro. Allele origin: not applicable. Functional consequence: retained intron. Not counted in ClinVar's aggregate classification.

Dr. Peter K. Rogan Lab, Western University
No classification provided (evidence only). Condition: Melanoma. Review status: no classification provided. Collection method: in vitro. Allele origin: not applicable. Functional consequence: retained intron. Not counted in ClinVar's aggregate classification.

Dr. Peter K. Rogan Lab, Western University
No classification provided (evidence only). Condition: Melanoma. Review status: no classification provided. Collection method: in vitro. Allele origin: not applicable. Functional consequence: retained intron. Not counted in ClinVar's aggregate classification.

Dr. Peter K. Rogan Lab, Western University
No classification provided (evidence only). Condition: Acute myeloid leukemia. Review status: no classification provided. Collection method: in vitro. Allele origin: not applicable. Functional consequence: skipped exon, retained intron. Not counted in ClinVar's aggregate classification.

Dr. Peter K. Rogan Lab, Western University
No classification provided (evidence only). Condition: Acute myeloid leukemia. Review status: no classification provided. Collection method: in vitro. Allele origin: not applicable. Functional consequence: skipped exon, retained intron. Not counted in ClinVar's aggregate classification.

Dr. Peter K. Rogan Lab, Western University
No classification provided (evidence only). Condition: Acute myeloid leukemia. Review status: no classification provided. Collection method: in vitro. Allele origin: not applicable. Functional consequence: retained intron. Not counted in ClinVar's aggregate classification.

Dr. Peter K. Rogan Lab, Western University
No classification provided (evidence only). Condition: Acute myeloid leukemia. Review status: no classification provided. Collection method: in vitro. Allele origin: not applicable. Functional consequence: skipped exon, retained intron. Not counted in ClinVar's aggregate classification.

Dr. Peter K. Rogan Lab, Western University
No classification provided (evidence only). Condition: Acute myeloid leukemia. Review status: no classification provided. Collection method: in vitro. Allele origin: not applicable. Functional consequence: skipped exon, retained intron. Not counted in ClinVar's aggregate classification.

Dr. Peter K. Rogan Lab, Western University
No classification provided (evidence only). Condition: Acute myeloid leukemia. Review status: no classification provided. Collection method: in vitro. Allele origin: not applicable. Functional consequence: skipped exon. Not counted in ClinVar's aggregate classification.

Dr. Peter K. Rogan Lab, Western University
No classification provided (evidence only). Condition: Acute myeloid leukemia. Review status: no classification provided. Collection method: in vitro. Allele origin: not applicable. Functional consequence: skipped exon, retained intron. Not counted in ClinVar's aggregate classification.

Dr. Peter K. Rogan Lab, Western University
No classification provided (evidence only). Condition: Acute myeloid leukemia. Review status: no classification provided. Collection method: in vitro. Allele origin: not applicable. Functional consequence: skipped exon, retained intron. Not counted in ClinVar's aggregate classification.

Dr. Peter K. Rogan Lab, Western University
No classification provided (evidence only). Condition: Colon adenocarcinoma. Review status: no classification provided. Collection method: in vitro. Allele origin: not applicable. Functional consequence: retained intron. Not counted in ClinVar's aggregate classification.

Dr. Peter K. Rogan Lab, Western University
No classification provided (evidence only). Condition: Colon adenocarcinoma. Review status: no classification provided. Collection method: in vitro. Allele origin: not applicable. Functional consequence: retained intron. Not counted in ClinVar's aggregate classification.

Dr. Peter K. Rogan Lab, Western University
No classification provided (evidence only). Condition: Colon adenocarcinoma. Review status: no classification provided. Collection method: in vitro. Allele origin: not applicable. Functional consequence: retained intron. Not counted in ClinVar's aggregate classification.

Dr. Peter K. Rogan Lab, Western University
No classification provided (evidence only). Condition: Colon adenocarcinoma. Review status: no classification provided. Collection method: in vitro. Allele origin: not applicable. Functional consequence: retained intron. Not counted in ClinVar's aggregate classification.

Dr. Peter K. Rogan Lab, Western University
No classification provided (evidence only). Condition: Colorectal cancer. Review status: no classification provided. Collection method: in vitro. Allele origin: not applicable. Functional consequence: retained intron. Not counted in ClinVar's aggregate classification.

Dr. Peter K. Rogan Lab, Western University
No classification provided (evidence only). Condition: Colorectal cancer. Review status: no classification provided. Collection method: in vitro. Allele origin: not applicable. Functional consequence: retained intron. Not counted in ClinVar's aggregate classification.